The following is an entry in ClinVar:

ClinVar aggregate classification (germline): Uncertain significance (1 of 4 stars; one submission).

Conditions:
Neuropathy, hereditary sensory and autonomic, type 2A (HSAN2A). Also called: ACROOSTEOLYSIS, NEUROGENIC; ACROOSTEOLYSIS, GIACCAI TYPE; MORVAN DISEASE; NEUROPATHY, CONGENITAL SENSORY; NEUROPATHY, HEREDITARY SENSORY RADICULAR, AUTOSOMAL RECESSIVE; NEUROPATHY, HEREDITARY SENSORY, TYPE IIA. Identifiers: Orphanet 970, MedGen C2752089, MONDO:0024309, OMIM 201300.
Generalized epilepsy with febrile seizures plus, type 7 (GEFSP7). Also called: GEFS+, TYPE 7. Identifiers: Orphanet 36387, MedGen C2751778, MONDO:0013470, OMIM 613863.

Submission:

Labcorp Genetics (formerly Invitae), Labcorp
Classification: Uncertain significance for Neuropathy, hereditary sensory and autonomic, type 2A; Generalized epilepsy with febrile seizures plus, type 7. Last evaluated: 2020-08-28. Review status: criteria provided, single submitter. Criteria: Invitae Variant Classification Sherloc (09022015). Collection method: clinical testing. Allele origin: germline.
Comment: In summary, the available evidence is currently insufficient to determine the role of this variant in disease. Therefore, it has been classified as a Variant of Uncertain Significance. Algorithms developed to predict the effect of missense changes on protein structure and function (SIFT, PolyPhen-2, Align-GVGD) all suggest that this variant is likely to be tolerated, but these predictions have not been confirmed by published functional studies and their clinical significance is uncertain. This variant has not been reported in the literature in individuals with SCN9A-related disease. This variant is not present in population databases (ExAC no frequency). This sequence change replaces glutamine with lysine at codon 425 of the SCN9A protein (p.Gln425Lys). The glutamine residue is moderately conserved and there is a small physicochemical difference between glutamine and lysine.

NM_001365536.1(SCN9A):c.1273C>A (p.Gln425Lys)

Genes: SCN1A-AS1 (SCN1A and SCN9A antisense RNA 1; plus strand), SCN9A (sodium voltage-gated channel alpha subunit 9; minus strand). Cytogenetic location: 2q24.3.
Variant type: single nucleotide variant.
Coding change: c.1273C>A on transcript NM_001365536.1 (MANE Select); coding-DNA position 1273, C replaced by A.
Protein change: p.Gln425Lys; replaces glutamine 425 with lysine.
Molecular consequence: missense variant.
Genome position (GRCh38, 1-based): chr2:166,288,478, G>T on the plus strand (C>A on the coding strand, the complement: SCN9A is on the minus strand). VCF-style: chr2-166288478-G-T. GRCh37 (hg19) VCF-style: chr2-167144988-G-T.
Other names: c.1273C>A, p.Gln425Lys (NM_002977.4); short protein forms Q425K.
Identifiers: ClinVar variation 471080 (VCV000471080.9), dbSNP rs1553491073, ClinGen allele CA349085730.